The following is an entry in ClinVar:

NM_006019.4(TCIRG1):c.1158_1159del (p.Asn387fs)

Gene: TCIRG1 (T cell immune regulator 1, ATPase H+ transporting V0 subunit a3; plus strand). Cytogenetic location: 11q13.2.
Variant type: Deletion.
Coding change: c.1158_1159del on transcript NM_006019.4 (MANE Select); coding-DNA positions 1158 to 1159, 2 bases deleted (CA; older notation c.1158_1159delCA).
Protein change: p.Asn387fs; shifts the reading frame from asparagine 387.
Molecular consequence: frameshift variant.
Genome position (GRCh38, 1-based): chr11:68,045,095-68,045,096, CA deleted. VCF-style (leftmost placement, unchanged base first): chr11-68045094-TCA-T. GRCh37 (hg19) VCF-style: chr11-67812561-TCA-T.
Other names: c.264_265del, p.Asn89fs (NM_001351059.2); c.510_511del, p.Asn171fs (NM_006053.4); short protein forms N171fs, N387fs, N89fs.
Identifiers: ClinVar variation 1725359 (VCV001725359.2), dbSNP rs2495632672, ClinGen allele CA2580084789.

ClinVar aggregate classification (germline): Likely pathogenic (1 of 4 stars; one submission).

Conditions:
Autosomal recessive osteopetrosis 1. Also called: TCIRG1-Related Autosomal Recessive Osteopetrosis; ALBERS-SCHONBERG DISEASE, AUTOSOMAL RECESSIVE; TCIRG1-Related Osteopetrosis. Identifiers: Orphanet 667, MedGen C1850127, MONDO:0009815, OMIM 259700.

Submission:

Myriad Genetics, Inc.
Classification: Likely pathogenic for Autosomal recessive osteopetrosis 1. Last evaluated: 2022-03-17. Review status: criteria provided, single submitter. Criteria: Myriad Women's Health Autosomal Recessive and X-Linked Classification Criteria (2021). Collection method: clinical testing. Allele origin: unknown.
Comment: NM_006019.3(TCIRG1):c.1158_1159delCA(N387Pfs*102) is expected to be pathogenic in the context of autosomal recessive osteopetrosis type 1. This variant is predicted to lead to an abnormal or absent protein product due to the creation of a premature termination codon in TCIRG1, a gene where loss-of-function variants are known to be pathogenic. Please note: this variant was assessed in the context of healthy population screening.